The following is an entry in ClinVar:

ClinVar aggregate classification (germline): Uncertain significance (1 of 4 stars; one submission).

Conditions:
Combined immunodeficiency due to CTPS1 deficiency. Also called: Severe combined immunodeficiency due to CTPS1 deficiency; Immunodeficiency 24. Identifiers: Orphanet 420573, MedGen C4014617, MONDO:0014391, OMIM 615897.

Submission:

Labcorp Genetics (formerly Invitae), Labcorp
Classification: Uncertain significance for Combined immunodeficiency due to CTPS1 deficiency. Last evaluated: 2022-08-09. Review status: criteria provided, single submitter. Criteria: Invitae Variant Classification Sherloc (09022015). Collection method: clinical testing. Allele origin: germline.
Comment: This sequence change falls in intron 8 of the CTPS1 gene. It does not directly change the encoded amino acid sequence of the CTPS1 protein. It affects a nucleotide within the consensus splice site. This variant is not present in population databases (gnomAD no frequency). This variant has not been reported in the literature in individuals affected with CTPS1-related conditions. Variants that disrupt the consensus splice site are a relatively common cause of aberrant splicing (PMID: 17576681, 9536098). Algorithms developed to predict the effect of sequence changes on RNA splicing suggest that this variant is not likely to affect RNA splicing. In summary, the available evidence is currently insufficient to determine the role of this variant in disease. Therefore, it has been classified as a Variant of Uncertain Significance.

Literature cited by the submitters: PubMed 17576681; PubMed 9536098.

NM_001905.4(CTPS1):c.872+4T>A

Gene: CTPS1 (CTP synthase 1; plus strand). Cytogenetic location: 1p34.2.
Variant type: single nucleotide variant.
Coding change: c.872+4T>A on transcript NM_001905.4 (MANE Select); 4 bases into the intron after coding-DNA position 872, T replaced by A.
Molecular consequence: intron variant.
Genome position (GRCh38, 1-based): chr1:40,996,072, T>A. VCF-style: chr1-40996072-T-A. GRCh37 (hg19) VCF-style: chr1-41461744-T-A.
Other names: c.404+4T>A (NM_001301237.2).
Identifiers: ClinVar variation 2023044 (VCV002023044.4), dbSNP rs2524300165, ClinGen allele CA2580062761.
Genomic context (GRCh38, chr1:40,996,072, plus strand): 5'-TCCTATTGAGAGGCAGCCAAGAAAAATGCTGATGAAATGGAAAGAGATGGCTGACAGGTT[T>A]GCCTGCAATGAGGAGCTGGGAGTGCTAGCCTCCTTTACTCTTTTGTAGGGCTGGTGAAGC-3'